The following is an entry in ClinVar:

NM_000260.4(MYO7A):c.959A>G (p.Lys320Arg)

Gene: MYO7A (myosin VIIA; plus strand). Cytogenetic location: 11q13.5.
Variant type: single nucleotide variant.
Coding change: c.959A>G on transcript NM_000260.4 (MANE Select); coding-DNA position 959, A replaced by G.
Protein change: p.Lys320Arg; replaces lysine 320 with arginine.
Molecular consequence: missense variant.
Genome position (GRCh38, 1-based): chr11:77,158,386, A>G. VCF-style: chr11-77158386-A-G. GRCh37 (hg19) VCF-style: chr11-76869432-A-G.
Other names: c.959A>G, p.Lys320Arg (NM_001127180.2); c.926A>G, p.Lys309Arg (NM_001369365.1); short protein forms K320R, K309R.
Identifiers: ClinVar variation 2142562 (VCV002142562.1), dbSNP rs782529538, ClinGen allele CA6197311.
Genomic context (GRCh38, chr11:77,158,386, plus strand): 5'-ACATCCGCTCCGCCATGAAGGTGCTCATGTTCACTGACACCGAGAACTGGGAGATCTCGA[A>G]GCTCCTGGCTGCCATCCTGCACCTGGGCAACCTGCAGTATGAGGGTGAGGCTGCGCCACA-3'
Protein context (NP_000251.3, residues 310-330): FTDTENWEIS[Lys320Arg]LLAAILHLGN

ClinVar aggregate classification (germline): Uncertain significance (1 of 4 stars; one submission).

Allele frequency attached by ClinVar (database versions not stated): gnomAD exomes below 0.00001; ExAC 0.00001.
gnomAD v4.1: 3 of 1,612,920 alleles (0.00019%); highest among the groups gnomAD compares: East Asian, 0.0022%; no homozygotes.

Submission:

Labcorp Genetics (formerly Invitae), Labcorp
Classification: Uncertain significance. Last evaluated: 2022-10-26. Review status: criteria provided, single submitter. Criteria: Invitae Variant Classification Sherloc (09022015). Collection method: clinical testing. Allele origin: germline.
Comment: This sequence change replaces lysine, which is basic and polar, with arginine, which is basic and polar, at codon 320 of the MYO7A protein (p.Lys320Arg). This variant is present in population databases (rs782529538, gnomAD 0.006%). This variant has not been reported in the literature in individuals affected with MYO7A-related conditions. Advanced modeling of protein sequence and biophysical properties (such as structural, functional, and spatial information, amino acid conservation, physicochemical variation, residue mobility, and thermodynamic stability) performed at Invitae indicates that this missense variant is not expected to disrupt MYO7A protein function. In summary, the available evidence is currently insufficient to determine the role of this variant in disease. Therefore, it has been classified as a Variant of Uncertain Significance.